The following is an entry in ClinVar:

ClinVar aggregate classification (germline): Likely pathogenic (1 of 4 stars; one submission).

Conditions:
Dilated cardiomyopathy 1G (CMD1G). Identifiers: Orphanet 154, MedGen C1858763, MONDO:0011400, OMIM 604145.
Autosomal recessive limb-girdle muscular dystrophy type 2J (LGMDR10). Also called: Limb-girdle muscular dystrophy, type 2J; MUSCULAR DYSTROPHY, LIMB-GIRDLE, AUTOSOMAL RECESSIVE 10. Identifiers: Orphanet 140922, MedGen C1837342, MONDO:0012127, OMIM 608807.

Submission:

Labcorp Genetics (formerly Invitae), Labcorp
Classification: Likely pathogenic for Dilated cardiomyopathy 1G; Autosomal recessive limb-girdle muscular dystrophy type 2J. Last evaluated: 2024-11-15. Review status: criteria provided, single submitter. Criteria: Invitae Variant Classification Sherloc (09022015). Collection method: clinical testing. Allele origin: germline.
Comment: This sequence change affects a donor splice site in intron 18 of the TTN gene. It is expected to disrupt RNA splicing and likely results in a truncated or disrupted TTN protein. This variant is not present in population databases (gnomAD no frequency). This variant has not been reported in the literature in individuals affected with TTN-related conditions. Algorithms developed to predict the effect of sequence changes on RNA splicing suggest that this variant may disrupt the consensus splice site. This variant is located in the Z band of TTN (PMID: 25589632). Truncating variants in this region have been reported in individuals affected with autosomal recessive centronuclear myopathy (PMID: 33449170, internal data). Truncating variants in this region have also been identified in individuals affected with autosomal dominant dilated cardiomyopathy and/or cardio-related conditions (PMID: 27869827, 32964742, internal data). In summary, the currently available evidence indicates that the variant is pathogenic, but additional data are needed to prove that conclusively. Therefore, this variant has been classified as Likely Pathogenic.

Literature cited by the submitters: PubMed 25589632; PubMed 33449170; PubMed 27869827; PubMed 32964742.

NM_001267550.2(TTN):c.3100+1G>A

Gene: TTN (titin; minus strand). Cytogenetic location: 2q31.2.
Variant type: single nucleotide variant.
Coding change: c.3100+1G>A on transcript NM_001267550.2 (MANE Select); the canonical splice donor site of the intron after coding-DNA position 3100, G replaced by A.
Molecular consequence: splice donor variant.
Genome position (GRCh38, 1-based): chr2:178,782,805, C>T on the plus strand (G>A on the coding strand, the complement: TTN is on the minus strand). VCF-style: chr2-178782805-C-T. GRCh37 (hg19) VCF-style: chr2-179647532-C-T.
Other names: c.2962+1G>A (NM_003319.4, NM_133437.4, NM_133432.3); c.3100+1G>A (NM_133378.4, NM_001256850.1, NM_133379.5).
Identifiers: ClinVar variation 3759796 (VCV003759796.2).